The following is an entry in ClinVar:

ClinVar aggregate classification (germline): Uncertain significance (1 of 4 stars; one submission).

Submission:

GeneDx
Classification: Uncertain significance. Last evaluated: 2016-11-18. Review status: criteria provided, single submitter. Criteria: GeneDx Variant Classification (06012015). Collection method: clinical testing. Allele origin: germline. Affected: yes.
Comment: A variant of uncertain significance has been identified in the CACNA1C gene. The C1021G variant has not been published as a pathogenic variant, nor has it been reported as a benign variant to our knowledge. The C1021G variant was not observed in approximately 6,500 individuals of European and African American ancestry in the NHLBI Exome Sequencing Project, indicating it is not a common benign variant in these populations. Additionally, C1021G is a non-conservative amino acid substitution, which is likely to impact secondary protein structure as these residues differ in polarity, charge, size and/or other properties. Furthermore, this substitution occurs at a position that is conserved across species and in silico analysis predicts this variant is probably damaging to the protein structure/function.However, additional evidence is needed to determine whether this variant is pathogenic or benign.

NM_000719.7(CACNA1C):c.3061T>G (p.Cys1021Gly)

Gene: CACNA1C (calcium voltage-gated channel subunit alpha1 C; plus strand). Cytogenetic location: 12p13.33.
Variant type: single nucleotide variant.
Coding change: c.3061T>G on transcript NM_000719.7 (MANE Select); coding-DNA position 3061, T replaced by G.
Protein change: p.Cys1021Gly; replaces cysteine 1021 with glycine.
Molecular consequence: missense variant.
Genome position (GRCh38, 1-based): chr12:2,605,691, T>G. VCF-style: chr12-2605691-T-G. GRCh37 (hg19) VCF-style: chr12-2714857-T-G.
Other names: c.3061T>G, p.Cys1021Gly (NM_001129843.2, NM_001129846.2, NM_001167623.2 and 15 more transcripts); c.3052T>G, p.Cys1018Gly (NM_001129844.2); c.3121T>G, p.Cys1041Gly (NM_199460.4, NM_001129827.2, NM_001129832.2); short protein forms C1021G, C1041G, C1018G.
Identifiers: ClinVar variation 373244 (VCV000373244.1), dbSNP rs1057518301, ClinGen allele CA16042792.